The following is an entry in ClinVar:

NM_201384.3(PLEC):c.6173T>G (p.Val2058Gly)

Gene: PLEC (plectin; minus strand). Cytogenetic location: 8q24.3.
Variant type: single nucleotide variant.
Coding change: c.6173T>G on transcript NM_201384.3 (MANE Select); coding-DNA position 6173, T replaced by G.
Protein change: p.Val2058Gly; replaces valine 2058 with glycine.
Molecular consequence: missense variant.
Genome position (GRCh38, 1-based): chr8:143,923,756, A>C on the plus strand (T>G on the coding strand, the complement: PLEC is on the minus strand). VCF-style: chr8-143923756-A-C. GRCh37 (hg19) VCF-style: chr8-144997924-A-C.
Other names: c.6254T>G, p.Val2085Gly (NM_000445.5); c.6131T>G, p.Val2044Gly (NM_201378.4); c.6107T>G, p.Val2036Gly (NM_201379.3); c.6584T>G, p.Val2195Gly (NM_201380.4); c.6077T>G, p.Val2026Gly (NM_201381.3); c.6173T>G, p.Val2058Gly (NM_201382.4); c.6185T>G, p.Val2062Gly (NM_201383.3); short protein forms V2036G, V2044G, V2085G, V2026G, V2058G, V2062G, V2195G.
Identifiers: ClinVar variation 2011318 (VCV002011318.4), dbSNP rs2537791329, ClinGen allele CA372538415.
Genomic context (GRCh38, chr8:143,923,756, plus strand): 5'-TGGTCCAGCACGCTCTGCTCCTGCTGCAGCGTCTGCTGTAGCTCCTGCTCCTTCTGCTGC[A>C]CCGCGAAGGCGTGTGCCTTCTCTTCCGCCTGCAGCCGCTTCTGGGCGGCCTCCTGGGCCA-3'
Protein context (NP_958786.1, residues 2048-2068): QAEEKAHAFA[Val2058Gly]QQKEQELQQT

ClinVar aggregate classification (germline): Uncertain significance (1 of 4 stars; one submission).

Conditions:
Epidermolysis bullosa simplex 5B, with muscular dystrophy (EBS5B). Also called: Epidermolysis bullosa simplex with muscular dystrophy; EPIDERMOLYSIS BULLOSA SIMPLEX AND LIMB-GIRDLE MUSCULAR DYSTROPHY. Identifiers: Orphanet 257, MedGen C2931072, MONDO:0009181, OMIM 226670.
Epidermolysis bullosa simplex, Ogna type (EBS5A). Also called: Pidermolysis bullosa simplex 5A, Ogna type; EPIDERMOLYSIS BULLOSA SIMPLEX 5A, OGNA TYPE. Identifiers: Orphanet 79401, MedGen C0432317, MONDO:0007555, OMIM 131950.
Epidermolysis bullosa simplex 5C, with pyloric atresia (EBS5C). Also called: PLEC-Related Epidermolysis Bullosa with Pyloric Atresia; Epidermolysis bullosa simplex with pyloric atresia; PLEC1-Related Epidermolysis Bullosa with Pyloric Atresia. Identifiers: Orphanet 158684, MedGen C2677349, MONDO:0012807, OMIM 612138.
Autosomal recessive limb-girdle muscular dystrophy type 2Q (LGMDR17). Also called: MUSCULAR DYSTROPHY, LIMB-GIRDLE, AUTOSOMAL RECESSIVE 17. Identifiers: Orphanet 254361, MedGen C3150989, MONDO:0013390, OMIM 613723.
Epidermolysis bullosa simplex with nail dystrophy (EBS5D). Identifiers: MedGen C4225309, MONDO:0014661, OMIM 616487.

Submission:

Labcorp Genetics (formerly Invitae), Labcorp
Classification: Uncertain significance for Autosomal recessive limb-girdle muscular dystrophy type 2Q; Epidermolysis bullosa simplex, Ogna type; Epidermolysis bullosa simplex with nail dystrophy; Epidermolysis bullosa simplex 5C, with pyloric atresia; Epidermolysis bullosa simplex 5B, with muscular dystrophy. Last evaluated: 2022-06-27. Review status: criteria provided, single submitter. Criteria: Invitae Variant Classification Sherloc (09022015). Collection method: clinical testing. Allele origin: germline.
Comment: In summary, the available evidence is currently insufficient to determine the role of this variant in disease. Therefore, it has been classified as a Variant of Uncertain Significance. Algorithms developed to predict the effect of missense changes on protein structure and function (SIFT, PolyPhen-2, Align-GVGD) all suggest that this variant is likely to be tolerated. This variant has not been reported in the literature in individuals affected with PLEC-related conditions. This variant is not present in population databases (gnomAD no frequency). This sequence change replaces valine, which is neutral and non-polar, with glycine, which is neutral and non-polar, at codon 2085 of the PLEC protein (p.Val2085Gly).